The following is an entry in ClinVar:

NM_152490.5(B3GALNT2):c.575G>T (p.Arg192Leu)

Gene: B3GALNT2 (beta-1,3-N-acetylgalactosaminyltransferase 2; minus strand). Cytogenetic location: 1q42.3.
Variant type: single nucleotide variant.
Coding change: c.575G>T on transcript NM_152490.5 (MANE Select); coding-DNA position 575, G replaced by T.
Protein change: p.Arg192Leu; replaces arginine 192 with leucine.
Molecular consequence: missense variant.
Genome position (GRCh38, 1-based): chr1:235,480,130, C>A on the plus strand (G>T on the coding strand, the complement: B3GALNT2 is on the minus strand). VCF-style: chr1-235480130-C-A. GRCh37 (hg19) VCF-style: chr1-235643446-C-A.
Other names: c.698G>T, p.Arg233Leu (NM_001277155.3); short protein forms R192L, R233L.
Identifiers: ClinVar variation 2812344 (VCV002812344.3), dbSNP rs201345883, ClinGen allele CA1464869.

ClinVar aggregate classification (germline): Uncertain significance (1 of 4 stars; one submission).

Conditions:
Muscular dystrophy-dystroglycanopathy (congenital with brain and eye anomalies), type a, 11 (MDDGA11). Also called: Congenital muscular dystrophy-dystroglycanopathy with brain and eye anomalies, type A11; Muscular dystrophy-dystroglycanopathy (congenital with brain and eye anomalies, type A, 11; WALKER-WARBURG SYNDROME OR MUSCLE-EYE-BRAIN DISEASE, B3GALNT2-RELATED. Identifiers: Orphanet 588, Orphanet 899, MedGen C3554638, MONDO:0014071, OMIM 615181.

Submission:

Labcorp Genetics (formerly Invitae), Labcorp
Classification: Uncertain significance for Muscular dystrophy-dystroglycanopathy (congenital with brain and eye anomalies), type a, 11. Last evaluated: 2022-12-31. Review status: criteria provided, single submitter. Criteria: Invitae Variant Classification Sherloc (09022015). Collection method: clinical testing. Allele origin: germline.
Comment: This sequence change replaces arginine, which is basic and polar, with leucine, which is neutral and non-polar, at codon 192 of the B3GALNT2 protein (p.Arg192Leu). In summary, the available evidence is currently insufficient to determine the role of this variant in disease. Therefore, it has been classified as a Variant of Uncertain Significance. Advanced modeling of protein sequence and biophysical properties (such as structural, functional, and spatial information, amino acid conservation, physicochemical variation, residue mobility, and thermodynamic stability) performed at Invitae indicates that this missense variant is not expected to disrupt B3GALNT2 protein function. This variant has not been reported in the literature in individuals affected with B3GALNT2-related conditions. This variant is present in population databases (rs201345883, gnomAD 0.0009%).